The following is an entry in ClinVar:

ClinVar aggregate classification (germline): Likely benign (1 of 4 stars; one submission).

gnomAD v4.1: 102 of 1,613,788 alleles (0.0063%); highest among the groups gnomAD compares: South Asian, 0.11%; no homozygotes.

Submission:

CeGaT Center for Human Genetics Tuebingen
Classification: Likely benign. Last evaluated: 2026-09-01. Review status: criteria provided, single submitter. Criteria: CeGaT Center For Human Genetics Tuebingen Variant Classification Criteria Version 2. Collection method: clinical testing. Allele origin: germline. Affected: yes. Observed: 1 variant allele.
Comment: FBXO3: BP4, BP7

NM_012175.4(FBXO3):c.990T>C (p.Tyr330=)

Gene: FBXO3 (F-box protein 3; minus strand). Cytogenetic location: 11p13.
Variant type: single nucleotide variant.
Coding change: c.990T>C on transcript NM_012175.4 (MANE Select); coding-DNA position 990, T replaced by C.
Protein change: p.Tyr330=; no amino-acid change (tyrosine 330 retained).
Molecular consequence: synonymous variant.
Genome position (GRCh38, 1-based): chr11:33,748,835, A>G on the plus strand (T>C on the coding strand, the complement: FBXO3 is on the minus strand). VCF-style: chr11-33748835-A-G. GRCh37 (hg19) VCF-style: chr11-33770381-A-G.
Other names: c.990T>C, p.Tyr330= (NM_033406.4).
Identifiers: ClinVar variation 5041362 (VCV005041362.1).